The following is an entry in ClinVar:

NM_000334.4(SCN4A):c.3967A>G (p.Met1323Val)

Genes: GH-LCR (growth hormone locus control region; plus strand), SCN4A (sodium voltage-gated channel alpha subunit 4; minus strand). Cytogenetic location: 17q23.3.
Variant type: single nucleotide variant.
Coding change: c.3967A>G on transcript NM_000334.4 (MANE Select); coding-DNA position 3967, A replaced by G.
Protein change: p.Met1323Val; replaces methionine 1323 with valine.
Molecular consequence: missense variant.
Genome position (GRCh38, 1-based): chr17:63,943,796, T>C on the plus strand (A>G on the coding strand, the complement: SCN4A is on the minus strand). VCF-style: chr17-63943796-T-C. GRCh37 (hg19) VCF-style: chr17-62021156-T-C.
Other names: short protein forms M1323V.
Identifiers: ClinVar variation 1521715 (VCV001521715.8), dbSNP rs1908623807, ClinGen allele CA400617048.

ClinVar aggregate classification (germline): Uncertain significance (1 of 4 stars; one submission).

Conditions:
Hyperkalemic periodic paralysis. Also called: Familial hyperkalemic periodic paralysis; Gamstorp disease. Identifiers: Orphanet 682, MedGen C0238357, MONDO:0008224, OMIM 170500, HP:0007215.

Allele frequency attached by ClinVar (database versions not stated): gnomAD exomes below 0.00001; TOPMed 0.00002.

Submission:

Labcorp Genetics (formerly Invitae), Labcorp
Classification: Uncertain significance for Hyperkalemic periodic paralysis. Last evaluated: 2023-12-18. Review status: criteria provided, single submitter. Criteria: Invitae Variant Classification Sherloc (09022015). Collection method: clinical testing. Allele origin: germline.
Comment: This sequence change replaces methionine, which is neutral and non-polar, with valine, which is neutral and non-polar, at codon 1323 of the SCN4A protein (p.Met1323Val). This variant is not present in population databases (gnomAD no frequency). This variant has not been reported in the literature in individuals affected with SCN4A-related conditions. ClinVar contains an entry for this variant (Variation ID: 1521715). Advanced modeling of protein sequence and biophysical properties (such as structural, functional, and spatial information, amino acid conservation, physicochemical variation, residue mobility, and thermodynamic stability) has been performed at Invitae for this missense variant, however the output from this modeling did not meet the statistical confidence thresholds required to predict the impact of this variant on SCN4A protein function. In summary, the available evidence is currently insufficient to determine the role of this variant in disease. Therefore, it has been classified as a Variant of Uncertain Significance.